The following is an entry in ClinVar:

NM_025114.4(CEP290):c.7397T>A (p.Phe2466Tyr)

Genes: CEP290 (centrosomal protein 290; minus strand), RLIG1 (RNA 5'-phosphate and 3'-OH ligase 1; plus strand). Cytogenetic location: 12q21.32.
Variant type: single nucleotide variant.
Coding change: c.7397T>A on transcript NM_025114.4 (MANE Select); coding-DNA position 7397, T replaced by A.
Protein change: p.Phe2466Tyr; replaces phenylalanine 2466 with tyrosine.
Molecular consequence: missense variant. On other transcripts: 3 prime UTR variant (1).
Genome position (GRCh38, 1-based): chr12:88,049,227, A>T on the plus strand (T>A on the coding strand, the complement: CEP290 is on the minus strand). VCF-style: chr12-88049227-A-T. GRCh37 (hg19) VCF-style: chr12-88443004-A-T.
Other names: c.*805A>T (NM_001009894.3); short protein forms F2466Y.
Identifiers: ClinVar variation 444301 (VCV000444301.51), dbSNP rs1159836808, ClinGen allele CA385972093.
Genomic context (GRCh38, chr12:88,049,227, plus strand): 5'-AAGTTTATAGGTGACCTTTAGTAAATGGGGAAATTAACAGGACTTTCTTCTTCATCTTCA[A>T]ACTCTTCAGAAGCAGCAACAGGGCTAGTTAATTCAACTCCCAATTGTTCTGAAAGTTTTT-3'
Protein context (NP_079390.3, residues 2456-2476): LTSPVAASEE[Phe2466Tyr]EDEEESPVNF

ClinVar aggregate classification (germline): Uncertain significance. Review status: criteria provided, multiple submitters, no conflicts (2 of 4 stars). 6 submissions from 6 submitters: Uncertain significance (6). Last evaluated 2026-09-04.

Conditions:
Meckel-Gruber syndrome. Also called: Dysencephalia splachnocystica; DYSENCEPHALIA SPLANCHNOCYSTICA; GRUBER SYNDROME. Identifiers: Orphanet 564, MedGen C0265215, MONDO:0018921.
Nephronophthisis. Also called: Juvenile Nephronophthisis. Identifiers: Orphanet 655, MedGen C0687120, MONDO:0019005, HP:0000090.
Joubert syndrome. Also called: Familial aplasia of the vermis; JOUBERT-BOLTSHAUSER SYNDROME. Identifiers: Orphanet 475, MedGen C5979921, MONDO:0018772.
CEP290-related disorder. Also called: CEP290-related disorders; CEP290-related condition. Identifiers: MedGen CN239314.
Inborn genetic diseases. Identifiers: MedGen C0950123, MeSH D030342.
Leber congenital amaurosis 10 (LCA10). Identifiers: Orphanet 65, MedGen C1857821, MONDO:0012723, OMIM 611755.
Bardet-Biedl syndrome 14 (BBS14). Identifiers: Orphanet 110, MedGen C2673874, MONDO:0014442, OMIM 615991.
Joubert syndrome 5 (JBTS5). Identifiers: Orphanet 2318, MedGen C1857780, MONDO:0012432, OMIM 610188.
Meckel syndrome, type 4 (MKS4). Also called: MECKEL-GRUBER SYNDROME, TYPE 4. Identifiers: Orphanet 564, MedGen C1970161, MONDO:0012626, OMIM 611134.
Senior-Loken syndrome 6 (SLSN6). Identifiers: Orphanet 3156, MedGen C1857779, MONDO:0012433, OMIM 610189.

Allele frequency attached by ClinVar (database versions not stated): TOPMed 0.00001; gnomAD 0.00003.
gnomAD v4.1: 13 of 1,604,488 alleles (0.00081%); highest among the groups gnomAD compares: Middle Eastern, 0.067%; no homozygotes.

Submissions (6):

PreventionGenetics, part of Exact Sciences
Classification: Uncertain significance for CEP290-related condition. Last evaluated: 2026-09-04. Review status: criteria provided, single submitter. Criteria: ACMG Guidelines, 2015. Collection method: clinical testing. Allele origin: germline.
Comment: The CEP290 c.7397T>A variant is predicted to result in the amino acid substitution p.Phe2466Tyr. To our knowledge, this variant has not been reported in the literature. This variant is reported in 0.0065% of alleles in individuals of European (non-Finnish) descent in gnomAD. At this time, the clinical significance of this variant is uncertain due to the absence of conclusive functional and genetic evidence.

Greenwood Genetic Center Diagnostic Laboratories, Greenwood Genetic Center
Classification: Uncertain significance. Last evaluated: 2026-06-09. Review status: criteria provided, single submitter. Criteria: ACMG Guidelines, 2015. Collection method: clinical testing. Allele origin: germline.
Comment: PM2, BP4

Fulgent Genetics
Classification: Uncertain significance for Joubert syndrome 5; Senior-Loken syndrome 6; Meckel syndrome, type 4; Leber congenital amaurosis 10; Bardet-Biedl syndrome 14. Last evaluated: 2024-03-13. Review status: criteria provided, single submitter. Criteria: ACMG Guidelines, 2015. Collection method: clinical testing. Allele origin: germline.

Ambry Genetics
Classification: Uncertain significance for Inborn genetic diseases. Last evaluated: 2023-02-22. Review status: criteria provided, single submitter. Criteria: Ambry Variant Classification Scheme 2023. Collection method: clinical testing. Allele origin: germline.

Labcorp Genetics (formerly Invitae), Labcorp
Classification: Uncertain significance for Joubert syndrome; Meckel-Gruber syndrome; Nephronophthisis. Last evaluated: 2022-08-23. Review status: criteria provided, single submitter. Criteria: Invitae Variant Classification Sherloc (09022015). Collection method: clinical testing. Allele origin: germline.
Comment: This sequence change replaces phenylalanine, which is neutral and non-polar, with tyrosine, which is neutral and polar, at codon 2466 of the CEP290 protein (p.Phe2466Tyr). This variant is present in population databases (no rsID available, gnomAD 0.007%). This variant has not been reported in the literature in individuals affected with CEP290-related conditions. ClinVar contains an entry for this variant (Variation ID: 444301). Algorithms developed to predict the effect of missense changes on protein structure and function output the following: SIFT: "Tolerated"; PolyPhen-2: "Benign"; Align-GVGD: "Class C0". The tyrosine amino acid residue is found in multiple mammalian species, which suggests that this missense change does not adversely affect protein function. In summary, the available evidence is currently insufficient to determine the role of this variant in disease. Therefore, it has been classified as a Variant of Uncertain Significance.

CeGaT Center for Human Genetics Tuebingen
Classification: Uncertain significance. Last evaluated: 2017-06-01. Review status: criteria provided, single submitter. Criteria: CeGaT Center For Human Genetics Tuebingen Variant Classification Criteria Version 2. Collection method: clinical testing. Allele origin: germline. Affected: yes. Observed: 1 variant allele.